The following is an entry in ClinVar:

NM_001165963.4(SCN1A):c.2992G>A (p.Asp998Asn)

Gene: SCN1A (sodium voltage-gated channel alpha subunit 1; minus strand). Cytogenetic location: 2q24.3.
Variant type: single nucleotide variant.
Coding change: c.2992G>A on transcript NM_001165963.4 (MANE Select); coding-DNA position 2992, G replaced by A.
Protein change: p.Asp998Asn; replaces aspartic acid 998 with asparagine.
Molecular consequence: missense variant. On other transcripts: non-coding transcript variant (1).
Genome position (GRCh38, 1-based): chr2:166,036,485, C>T on the plus strand (G>A on the coding strand, the complement: SCN1A is on the minus strand). VCF-style: chr2-166036485-C-T. GRCh37 (hg19) VCF-style: chr2-166892995-C-T.
Other names: c.2908G>A, p.Asp970Asn (NM_001165964.3, NM_001353957.2, NM_001353958.2); c.2992G>A, p.Asp998Asn (NM_001202435.3, NM_001353948.2); c.2959G>A, p.Asp987Asn (NM_006920.6, NM_001353949.2, NM_001353950.2 and 2 more transcripts); c.2956G>A, p.Asp986Asn (NM_001353954.2, NM_001353955.2); c.2905G>A, p.Asp969Asn (NM_001353960.2); c.550G>A, p.Asp184Asn (NM_001353961.2); short protein forms D184N, D969N, D970N, D986N, D987N, D998N.
Identifiers: ClinVar variation 4278567 (VCV004278567.1).
Genomic context (GRCh38, chr2:166,036,485, plus strand): 5'-TATCCACAGCAATTTGGAGATTATTCATTTCATTATCATCATCAGTGGCTGCAAGGTTGT[C>T]TGCACTAAATGAGCTCAGAAGCAAGGCCAGAAAGAGATTCAGGACCTTAAAAACAACAAA-3'
Protein context (NP_001159435.1, residues 988-1008): LALLLSSFSA[Asp998Asn]NLAATDDDNE

ClinVar aggregate classification (germline): Uncertain significance (1 of 4 stars; one submission).

Submission:

GeneDx
Classification: Uncertain significance. Last evaluated: 2025-04-05. Review status: criteria provided, single submitter. Criteria: GeneDx Variant Classification Process June 2021. Collection method: clinical testing. Allele origin: germline. Affected: yes.
Comment: Not observed at significant frequency in large population cohorts (gnomAD); In silico analysis supports that this missense variant has a deleterious effect on protein structure/function; This substitution is predicted to be within the cytoplasmic loop between the second and third homologous domains; Has not been previously published as pathogenic or benign to our knowledge